The following is an entry in ClinVar:

ClinVar aggregate classification (germline): Uncertain significance (1 of 4 stars; one submission).

Submission:

Labcorp Genetics (formerly Invitae), Labcorp
Classification: Uncertain significance. Last evaluated: 2025-06-09. Review status: criteria provided, single submitter. Criteria: Invitae Variant Classification Sherloc (09022015). Collection method: clinical testing. Allele origin: germline.
Comment: This sequence change replaces lysine, which is basic and polar, with glutamic acid, which is acidic and polar, at codon 257 of the GUCY2C protein (p.Lys257Glu). This variant is not present in population databases (gnomAD no frequency). This variant has not been reported in the literature in individuals affected with GUCY2C-related conditions. ClinVar contains an entry for this variant (Variation ID: 2765592). Invitae Evidence Modeling of protein sequence and biophysical properties (such as structural, functional, and spatial information, amino acid conservation, physicochemical variation, residue mobility, and thermodynamic stability) indicates that this missense variant is not expected to disrupt GUCY2C protein function with a negative predictive value of 80%. In summary, the available evidence is currently insufficient to determine the role of this variant in disease. Therefore, it has been classified as a Variant of Uncertain Significance.

NM_004963.4(GUCY2C):c.769A>G (p.Lys257Glu)

Genes: GUCY2C (guanylate cyclase 2C; minus strand), GUCY2C-AS1 (GUCY2C antisense RNA 1; plus strand). Cytogenetic location: 12p12.3.
Variant type: single nucleotide variant.
Coding change: c.769A>G on transcript NM_004963.4 (MANE Select); coding-DNA position 769, A replaced by G.
Protein change: p.Lys257Glu; replaces lysine 257 with glutamic acid.
Molecular consequence: missense variant.
Genome position (GRCh38, 1-based): chr12:14,679,718, T>C on the plus strand (A>G on the coding strand, the complement: GUCY2C is on the minus strand). VCF-style: chr12-14679718-T-C. GRCh37 (hg19) VCF-style: chr12-14832652-T-C.
Other names: short protein forms K257E.
Identifiers: ClinVar variation 2765592 (VCV002765592.3), dbSNP rs2497789875, ClinGen allele CA384004880.
Genomic context (GRCh38, chr12:14,679,718, plus strand): 5'-TGAAAAGATCCACTAGAATAATGACAATGTCTTCAGCCACTGCTCGGTCACCCTTCAGCT[T>C]GTAGAGGAACTCTGGACCACCACACATAATAATCACTGGAGGAGAAGGTAAGACAAGGAG-3'
Protein context (NP_004954.2, residues 247-267): IMCGGPEFLY[Lys257Glu]LKGDRAVAED